The following is an entry in ClinVar:

NM_001039348.3(EFEMP1):c.443G>A (p.Arg148His)

Gene: EFEMP1 (EGF-like fibulin extracellular matrix protein 1; minus strand). Cytogenetic location: 2p16.1.
Variant type: single nucleotide variant.
Coding change: c.443G>A on transcript NM_001039348.3 (MANE Select); coding-DNA position 443, G replaced by A.
Protein change: p.Arg148His; replaces arginine 148 with histidine.
Molecular consequence: missense variant.
Genome position (GRCh38, 1-based): chr2:55,917,739, C>T on the plus strand (G>A on the coding strand, the complement: EFEMP1 is on the minus strand). VCF-style: chr2-55917739-C-T. GRCh37 (hg19) VCF-style: chr2-56144874-C-T.
Other names: c.443G>A, p.Arg148His (NM_001039349.3); short protein forms R148H.
Identifiers: ClinVar variation 1471488 (VCV001471488.7), dbSNP rs374747361, ClinGen allele CA48129451.

ClinVar aggregate classification (germline): Uncertain significance. Review status: criteria provided, multiple submitters, no conflicts (2 of 4 stars). 2 submissions from 2 submitters: Uncertain significance (2). Last evaluated 2025-04-20.

Allele frequency attached by ClinVar (database versions not stated): gnomAD exomes 0.00001; TOPMed 0.00003; gnomAD 0.00005 and 0.00006; ESP Exome Variant Server 0.00008.
gnomAD v4.1: 19 of 1,614,078 alleles (0.0012%); highest among the groups gnomAD compares: East Asian, 0.0045%; no homozygotes.

Submissions (2):

Labcorp Genetics (formerly Invitae), Labcorp
Classification: Uncertain significance. Last evaluated: 2025-04-20. Review status: criteria provided, single submitter. Criteria: Invitae Variant Classification Sherloc (09022015). Collection method: clinical testing. Allele origin: germline.
Comment: This sequence change replaces arginine, which is basic and polar, with histidine, which is basic and polar, at codon 148 of the EFEMP1 protein (p.Arg148His). This variant is present in population databases (rs374747361, gnomAD 0.008%). This variant has not been reported in the literature in individuals affected with EFEMP1-related conditions. ClinVar contains an entry for this variant (Variation ID: 1471488). Invitae Evidence Modeling of protein sequence and biophysical properties (such as structural, functional, and spatial information, amino acid conservation, physicochemical variation, residue mobility, and thermodynamic stability) indicates that this missense variant is not expected to disrupt EFEMP1 protein function with a negative predictive value of 80%. In summary, the available evidence is currently insufficient to determine the role of this variant in disease. Therefore, it has been classified as a Variant of Uncertain Significance.

Blueprint Genetics
Classification: Uncertain significance. Last evaluated: 2022-07-05. Review status: criteria provided, single submitter. Criteria: ACMG Guidelines, 2015. Collection method: clinical testing. Allele origin: germline.